The following is an entry in ClinVar:

NM_001394062.1(MACF1):c.14190A>T (p.Arg4730=)

Gene: MACF1 (microtubule actin crosslinking factor 1; plus strand). Cytogenetic location: 1p34.3.
Variant type: single nucleotide variant.
Coding change: c.14190A>T on transcript NM_001394062.1 (MANE Select); coding-DNA position 14190, A replaced by T.
Protein change: p.Arg4730=; no amino-acid change (arginine 4730 retained).
Molecular consequence: synonymous variant.
Genome position (GRCh38, 1-based): chr1:39,385,775, A>T. VCF-style: chr1-39385775-A-T. GRCh37 (hg19) VCF-style: chr1-39851447-A-T.
Other names: c.8004A>T, p.Arg2668= (NM_012090.5).
Identifiers: ClinVar variation 2141211 (VCV002141211.10), dbSNP rs759104134, ClinGen allele CA782200.
Genomic context (GRCh38, chr1:39,385,775, plus strand): 5'-AGCTATCAGCACCCAACCAGAGGCTGTAAAGCAGCAATTGGAAGAGACCAGTGAAATTCG[A>T]TCTGACTTGGAGCAGTTAGACCACGAGGTTAAGGAGGCTCAGACACTGTGCGATGAACTC-3'
Protein context (NP_001380991.1, residues 4720-4740): KQQLEETSEI[Arg4730=]SDLEQLDHEV

ClinVar aggregate classification (germline): Likely benign. Review status: criteria provided, multiple submitters, no conflicts (2 of 4 stars). 2 submissions from 2 submitters: Likely benign (2). Last evaluated 2026-04-01.

Allele frequency attached by ClinVar (database versions not stated): gnomAD 0.00002; ExAC 0.00003; gnomAD exomes 0.00003; TOPMed 0.00005.
gnomAD v4.1: 48 of 1,613,990 alleles (0.003%); highest among the groups gnomAD compares: Admixed American, 0.027%; no homozygotes.

Submissions (2):

CeGaT Center for Human Genetics Tuebingen
Classification: Likely benign. Last evaluated: 2026-04-01. Review status: criteria provided, single submitter. Criteria: CeGaT Center For Human Genetics Tuebingen Variant Classification Criteria Version 2. Collection method: clinical testing. Allele origin: germline. Affected: yes. Observed: 3 variant alleles.
Comment: MACF1: BP4, BP7

Labcorp Genetics (formerly Invitae), Labcorp
Classification: Likely benign. Last evaluated: 2023-08-30. Review status: criteria provided, single submitter. Criteria: Invitae Variant Classification Sherloc (09022015). Collection method: clinical testing. Allele origin: germline.